The following is an entry in ClinVar:

ClinVar aggregate classification (germline): Likely benign (1 of 4 stars; one submission).

Allele frequency attached by ClinVar (database versions not stated): gnomAD exomes below 0.00001; TOPMed below 0.00001 and 0.00001; ExAC 0.00001; gnomAD 0.00001.
gnomAD v4.1: 2 of 1,590,100 alleles (0.00013%); highest among the groups gnomAD compares: Non-Finnish European, 0.00017%; no homozygotes.

Submission:

GeneDx
Classification: Likely benign. Last evaluated: 2017-06-29. Review status: criteria provided, single submitter. Criteria: GeneDx Variant Classification (06012015). Collection method: clinical testing. Allele origin: germline. Affected: yes.
Comment: This variant is considered likely benign or benign based on one or more of the following criteria: it is a conservative change, it occurs at a poorly conserved position in the protein, it is predicted to be benign by multiple in silico algorithms, and/or has population frequency not consistent with disease.

NM_005431.2(XRCC2):c.40-12T>C

Gene: XRCC2 (X-ray repair cross complementing 2; minus strand). Cytogenetic location: 7q36.1.
Variant type: single nucleotide variant.
Coding change: c.40-12T>C on transcript NM_005431.2 (MANE Select); 12 bases into the intron before coding-DNA position 40, T replaced by C.
Molecular consequence: intron variant.
Genome position (GRCh38, 1-based): chr7:152,660,794, A>G on the plus strand (T>C on the coding strand, the complement: XRCC2 is on the minus strand). VCF-style: chr7-152660794-A-G. GRCh37 (hg19) VCF-style: chr7-152357879-A-G.
Identifiers: ClinVar variation 510567 (VCV000510567.1), dbSNP rs748238624, ClinGen allele CA4582422.